The following is an entry in ClinVar:

NM_025114.4(CEP290):c.3730G>T (p.Glu1244Ter)

Gene: CEP290 (centrosomal protein 290; minus strand). Cytogenetic location: 12q21.32.
Variant type: single nucleotide variant.
Coding change: c.3730G>T on transcript NM_025114.4 (MANE Select); coding-DNA position 3730, G replaced by T.
Protein change: p.Glu1244Ter; replaces glutamic acid 1244 with a stop codon.
Molecular consequence: nonsense.
Genome position (GRCh38, 1-based): chr12:88,089,331, C>A on the plus strand (G>T on the coding strand, the complement: CEP290 is on the minus strand). VCF-style: chr12-88089331-C-A. GRCh37 (hg19) VCF-style: chr12-88483108-C-A.
Other names: short protein forms E1244*.
Identifiers: ClinVar variation 1420360 (VCV001420360.6), dbSNP rs2137277291, ClinGen allele CA386000827.

ClinVar aggregate classification (germline): Pathogenic (1 of 4 stars; one submission).

Conditions:
Joubert syndrome. Also called: CEREBELLOPARENCHYMAL DISORDER IV; JOUBERT-BOLTSHAUSER SYNDROME; Familial aplasia of the vermis. Identifiers: Orphanet 475, MedGen C5979921, MONDO:0018772.
Nephronophthisis. Also called: Juvenile Nephronophthisis. Identifiers: Orphanet 655, MedGen C0687120, MONDO:0019005, HP:0000090.
Meckel-Gruber syndrome. Also called: DYSENCEPHALIA SPLANCHNOCYSTICA; GRUBER SYNDROME; Dysencephalia splachnocystica. Identifiers: Orphanet 564, MedGen C0265215, MONDO:0018921.

Submission:

Labcorp Genetics (formerly Invitae), Labcorp
Classification: Pathogenic for Joubert syndrome; Meckel-Gruber syndrome; Nephronophthisis. Last evaluated: 2021-11-14. Review status: criteria provided, single submitter. Criteria: Invitae Variant Classification Sherloc (09022015). Collection method: clinical testing. Allele origin: germline.
Comment: For these reasons, this variant has been classified as Pathogenic. This variant has not been reported in the literature in individuals affected with CEP290-related conditions. This variant is not present in population databases (gnomAD no frequency). This sequence change creates a premature translational stop signal (p.Glu1244*) in the CEP290 gene. It is expected to result in an absent or disrupted protein product. Loss-of-function variants in CEP290 are known to be pathogenic (PMID: 16909394, 17345604, 20690115).

Literature cited by the submitters: PubMed 16909394; PubMed 17345604; PubMed 20690115.